The following is an entry in ClinVar:

ClinVar aggregate classification (germline): Benign (1 of 4 stars; one submission).

Conditions:
Thyroid hormone resistance, generalized, autosomal dominant (GRTHD). Also called: HYPERTHYROXINEMIA, FAMILIAL EUTHYROID, SECONDARY TO PITUITARY AND PERIPHERAL RESISTANCE TO THYROID HORMONES. Identifiers: MedGen C2937288, MONDO:0008569, OMIM 188570.

Allele frequency attached by ClinVar (database versions not stated): 1000 Genomes Project 0.00459; 1000 Genomes Project 30x 0.00484; gnomAD 0.00551 and 0.00598; TOPMed 0.00617.

Submission:

Illumina Laboratory Services, Illumina
Classification: Benign for Thyroid hormone resistance, generalized, autosomal dominant. Last evaluated: 2018-01-12. Review status: criteria provided, single submitter. Criteria: ICSL Variant Classification Criteria 13 December 2019. Collection method: clinical testing. Allele origin: germline.
Comment: This variant was observed in the ICSL laboratory as part of a predisposition screen in an ostensibly healthy population. It had not been previously curated by ICSL or reported in the Human Gene Mutation Database (HGMD: prior to June 1st, 2018), and was therefore a candidate for classification through an automated scoring system. Utilizing variant allele frequency, disease prevalence and penetrance estimates, and inheritance mode, an automated score was calculated to assess if this variant is too frequent to cause the disease. Based on the score and internal cut-off values, a variant classified as benign is not then subjected to further curation. The score for this variant resulted in a classification of benign for this disease.

NM_001354712.2(THRB):c.*1375C>T

Gene: THRB (thyroid hormone receptor beta; minus strand). Cytogenetic location: 3p24.2.
Variant type: single nucleotide variant.
Coding change: c.*1375C>T on transcript NM_001354712.2 (MANE Select); 1375 bases downstream of the stop codon, C replaced by T.
Molecular consequence: 3 prime UTR variant.
Genome position (GRCh38, 1-based): chr3:24,121,509, G>A on the plus strand (C>T on the coding strand, the complement: THRB is on the minus strand). VCF-style: chr3-24121509-G-A. GRCh37 (hg19) VCF-style: chr3-24163000-G-A.
Other names: c.*1375C>T (NM_000461.5, NM_001128176.3, NM_001128177.2 and 8 more transcripts).
Identifiers: ClinVar variation 344612 (VCV000344612.5), dbSNP rs142386334, ClinGen allele CA10615534.